The following is an entry in ClinVar:

NM_000038.6(APC):c.890C>A (p.Thr297Lys)

Gene: APC (APC regulator of Wnt signaling pathway; plus strand). Cytogenetic location: 5q22.2.
Variant type: single nucleotide variant.
Coding change: c.890C>A on transcript NM_000038.6 (MANE Select); coding-DNA position 890, C replaced by A.
Protein change: p.Thr297Lys; replaces threonine 297 with lysine.
Molecular consequence: missense variant. On other transcripts: non-coding transcript variant (2).
Genome position (GRCh38, 1-based): chr5:112,815,550, C>A. VCF-style: chr5-112815550-C-A. GRCh37 (hg19) VCF-style: chr5-112151247-C-A.
Other names: c.890C>A, p.Thr297Lys (NM_001407455.1, NM_001407456.1, NM_001407457.1 and 12 more transcripts); c.806C>A, p.Thr269Lys (NM_001407467.1, NM_001407469.1, NM_001354899.2 and 1 more transcripts); c.41C>A, p.Thr14Lys (NM_001407470.1, NM_001407471.1, NM_001354906.2 and 1 more transcripts); c.836C>A, p.Thr279Lys (NM_001127511.3); c.920C>A, p.Thr307Lys (NM_001354897.2, NM_001354902.2, NM_001407446.1); c.815C>A, p.Thr272Lys (NM_001354898.2, NM_001354904.2, NM_001407451.1); c.713C>A, p.Thr238Lys (NM_001354900.2, NM_001354901.2, NM_001354905.2 and 1 more transcripts); short protein forms T14K, T269K, T307K, T238K, T272K, T297K, T279K.
Identifiers: ClinVar variation 5026209 (VCV005026209.1).
Genomic context (GRCh38, chr5:112,815,550, plus strand): 5'-TTTAGGGTTCAACTACACGAATGGACCATGAAACAGCCAGTGTTTTGAGTTCTAGTAGCA[C>A]ACACTCTGCACCTCGAAGGCTGACAAGTCATCTGGGAACCAAGGTAACAGAAGATTACAA-3'
Protein context (NP_000029.2, residues 287-307): ETASVLSSSS[Thr297Lys]HSAPRRLTSH

ClinVar aggregate classification (germline): Uncertain significance (1 of 4 stars; one submission).

Conditions:
Hereditary cancer-predisposing syndrome. Also called: Neoplastic Syndromes, Hereditary; Tumor predisposition; Hereditary neoplastic syndrome; Hereditary Cancer Syndrome. Identifiers: Orphanet 140162, MedGen C0027672, MeSH D009386, MONDO:0015356.

Submission:

Ambry Genetics
Classification: Uncertain significance for Hereditary cancer-predisposing syndrome. Last evaluated: 2026-09-13. Review status: criteria provided, single submitter. Criteria: Ambry Variant Classification Scheme 2023. Collection method: clinical testing. Allele origin: germline.
Comment: The p.T297K variant (also known as c.890C>A), located in coding exon 8 of the APC gene, results from a C to A substitution at nucleotide position 890. The threonine at codon 297 is replaced by lysine, an amino acid with similar properties. This amino acid position is conserved. In addition, in silico predictors for this gene do not accurately predict pathogenicity. Based on the available evidence, the clinical significance of this variant remains unclear.